The following is an entry in ClinVar:

NM_000701.8(ATP1A1):c.886A>G (p.Thr296Ala)

Gene: ATP1A1 (ATPase Na+/K+ transporting subunit alpha 1; plus strand). Cytogenetic location: 1p13.1.
Variant type: single nucleotide variant.
Coding change: c.886A>G on transcript NM_000701.8 (MANE Select); coding-DNA position 886, A replaced by G.
Protein change: p.Thr296Ala; replaces threonine 296 with alanine.
Molecular consequence: missense variant.
Genome position (GRCh38, 1-based): chr1:116,389,570, A>G. VCF-style: chr1-116389570-A-G. GRCh37 (hg19) VCF-style: chr1-116932192-A-G.
Other names: c.886A>G, p.Thr296Ala (NM_001160233.2); c.793A>G, p.Thr265Ala (NM_001160234.2); short protein forms T265A, T296A.
Identifiers: ClinVar variation 3361156 (VCV003361156.1).

ClinVar aggregate classification (germline): Uncertain significance (1 of 4 stars; one submission).

Submission:

GeneDx
Classification: Uncertain significance. Last evaluated: 2023-07-16. Review status: criteria provided, single submitter. Criteria: GeneDx Variant Classification Process June 2021. Collection method: clinical testing. Allele origin: germline. Affected: yes.
Comment: Not observed at significant frequency in large population cohorts (gnomAD); In silico analysis supports that this missense variant has a deleterious effect on protein structure/function; Has not been previously published as pathogenic or benign to our knowledge